The following is an entry in ClinVar:

ClinVar aggregate classification (germline): Uncertain significance (1 of 4 stars; one submission).

Submission:

Labcorp Genetics (formerly Invitae), Labcorp
Classification: Uncertain significance. Last evaluated: 2023-10-03. Review status: criteria provided, single submitter. Criteria: Invitae Variant Classification Sherloc (09022015). Collection method: clinical testing. Allele origin: germline.
Comment: This sequence change replaces lysine, which is basic and polar, with asparagine, which is neutral and polar, at codon 402 of the ATP5A1 protein (p.Lys402Asn). This variant is not present in population databases (gnomAD no frequency). This variant has not been reported in the literature in individuals affected with ATP5A1-related conditions. ClinVar contains an entry for this variant (Variation ID: 2092052). Advanced modeling of protein sequence and biophysical properties (such as structural, functional, and spatial information, amino acid conservation, physicochemical variation, residue mobility, and thermodynamic stability) performed at Invitae indicates that this missense variant is not expected to disrupt ATP5A1 protein function. In summary, the available evidence is currently insufficient to determine the role of this variant in disease. Therefore, it has been classified as a Variant of Uncertain Significance.

NM_004046.6(ATP5F1A):c.1206A>T (p.Lys402Asn)

Gene: ATP5F1A (ATP synthase F1 subunit alpha; minus strand). Cytogenetic location: 18q21.1.
Variant type: single nucleotide variant.
Coding change: c.1206A>T on transcript NM_004046.6 (MANE Select); coding-DNA position 1206, A replaced by T.
Protein change: p.Lys402Asn; replaces lysine 402 with asparagine.
Molecular consequence: missense variant.
Genome position (GRCh38, 1-based): chr18:46,086,465, T>A on the plus strand (A>T on the coding strand, the complement: ATP5F1A is on the minus strand). VCF-style: chr18-46086465-T-A. GRCh37 (hg19) VCF-style: chr18-43666431-T-A.
Other names: c.1056A>T, p.Lys352Asn (NM_001001935.3, NM_001257335.2); c.1206A>T, p.Lys402Asn (NM_001001937.2); c.1140A>T, p.Lys380Asn (NM_001257334.2); short protein forms K380N, K402N, K352N.
Identifiers: ClinVar variation 2092052 (VCV002092052.4), dbSNP rs1599769845, ClinGen allele CA402364478.